The following is an entry in ClinVar:

ClinVar aggregate classification (germline): Likely pathogenic (1 of 4 stars; one submission).

Conditions:
Inborn errors of metabolism. Also called: Inborn error of metabolism. Identifiers: Orphanet 68367, MedGen C0025521, MONDO:0019052.

Submission:

North West Genomic Laboratory Hub, Manchester University NHS Foundation Trust
Classification: Likely pathogenic for Inborn error of metabolism. Last evaluated: 2026-07-09. Review status: criteria provided, single submitter. Criteria: ACGS Best Practice Guidelines for Variant Classification in Rare Disease 2024. Collection method: clinical testing. Allele origin: germline. Affected: yes.
Comment: PP4_Mod PM4_Supp PM2_Mod PM1_Supp

NM_001844.5(COL2A1):c.3269_3271dup (p.Glu1090_Ala1091insGlu)

Gene: COL2A1 (collagen type II alpha 1 chain; minus strand). Cytogenetic location: 12q13.11.
Variant type: Duplication.
Coding change: c.3269_3271dup on transcript NM_001844.5 (MANE Select); coding-DNA positions 3269 to 3271, 3 bases duplicated (AAG; older notation c.3269_3271dupAAG).
Protein change: p.Glu1090_Ala1091insGlu.
Molecular consequence: inframe insertion.
Genome position (GRCh38, 1-based): chr12:47,977,322-47,977,324, CTT duplicated on the plus strand (AAG on the coding strand, the reverse complement: COL2A1 is on the minus strand); duplicating any 3 consecutive bases within chr12:47,977,322-47,977,326 gives the same sequence; the c. name uses the placement nearest the transcript's 3' end. VCF-style (leftmost placement, unchanged base first): chr12-47977321-G-GCTT. GRCh37 (hg19) VCF-style: chr12-48371104-G-GCTT.
Other names: c.3062_3064dup, p.Glu1021_Ala1022insGlu (NM_033150.3).
Identifiers: ClinVar variation 5020069 (VCV005020069.1).